The following is an entry in ClinVar:

NM_001384140.1(PCDH15):c.4343_4344del (p.Leu1447_Tyr1448insTer)

Gene: PCDH15 (protocadherin related 15; minus strand). Cytogenetic location: 10q21.1.
Variant type: Deletion.
Coding change: c.4343_4344del on transcript NM_001384140.1 (MANE Select); coding-DNA positions 4343 to 4344, 2 bases deleted (AT; older notation c.4343_4344delAT).
Protein change: p.Leu1447_Tyr1448insTer.
Molecular consequence: nonsense. On other transcripts: frameshift variant (1).
Genome position (GRCh38, 1-based): chr10:53,827,416-53,827,417, AT deleted on the plus strand (AT on the coding strand, the reverse complement: PCDH15 is on the minus strand); deleting any 2 consecutive bases within chr10:53,827,416-53,827,418 gives the same sequence; the c. name uses the placement nearest the transcript's 3' end. VCF-style (leftmost placement, unchanged base first): chr10-53827415-CAT-C. GRCh37 (hg19) VCF-style: chr10-55587175-CAT-C.
Other names: c.4358_4359del, p.Leu1452_Tyr1453insTer (NM_001142763.2, NM_001142771.2); c.4343_4344del, p.Leu1447_Tyr1448insTer (NM_001142764.2, NM_001142770.3, NM_001142772.2 and 3 more transcripts); c.4130_4131del, p.Leu1376_Tyr1377insTer (NM_001142765.2); c.4334_4335del, p.Leu1444_Tyr1445insTer (NM_001142766.2); c.4223_4224del, p.Leu1407_Tyr1408insTer (NM_001142767.2); c.4277_4278del, p.Leu1425_Tyr1426insTer (NM_001142768.2, NM_001354404.2); c.4378_4379delTA, p.Tyr1460Terfs (NM_001142769.4); c.4268_4269del, p.Leu1422_Tyr1423insTer (NM_001142773.2); and 1 more.
Identifiers: ClinVar variation 666903 (VCV000666903.4), dbSNP rs1588967380, ClinGen allele CA915945915.
Genomic context (GRCh38, chr10:53,827,415, plus strand): 5'-CCCAACTACTTCTCAGAGTTCCTGAACGGTCTACTTACATTGAGCTGTCTCCAAGTTCTT[CAT>C]AGAGATGCGCACCTGGCGGAGGCGGCGGCGGCGGCGGGGGCGCTGCCACTGGTGCAGGAG-3'

ClinVar aggregate classification (germline): Uncertain significance (1 of 4 stars; one submission).

Submission:

Laboratory for Molecular Medicine, Mass General Brigham Personalized Medicine
Classification: Uncertain significance. Last evaluated: 2018-02-26. Review status: criteria provided, single submitter. Criteria: LMM Criteria. Collection method: clinical testing. Allele origin: germline. Observed: 1 variant allele.
Comment: Variant classified as Uncertain Significance - Favor Pathogenic. The p.Tyr1448X variant in PCDH15 has not been previously reported in individuals with hearing l oss and was absent from large population studies. This nonsense variant leads to a premature termination codon at position 1448, which is within the terminal 50 bases of the second to last exon. This variant is therefore predicted to escape nonsense mediated decay (NMD) and result in a truncated protein that lacks the last 271 amino acids of the normal protein. However, because this variant occurs close to the C-terminal end of the protein, the functional effects of such a tr uncated protein are unclear. While variants resulting in a loss of function of t he PCDH15 gene are causative for autosomal recessive hearing loss (Ben-Yosef 200 3), variants in the last exon (exon 33) have been reported to be more likely ben ign because they have been observed at a higher frequency than expected in indiv iduals without hearing loss (Perreault-Micale 2014). This suggests that protein truncations impacting that region is tolerated; however, it is not clear if this would apply to the expected truncation caused by this variant. In summary, whil e there is some suspicion for a pathogenic role, the clinical significance of th e p.Tyr1448X variant is uncertain. ACMG/AMP Criteria applied: PM2, PM4.

Literature cited by the submitters: PubMed 25307757; PubMed 24940003; PubMed 12711741.